The following is an entry in ClinVar:

ClinVar aggregate classification (germline): Likely benign (0 of 4 stars; one submission).

Conditions:
SEMA3C-related disorder. Also called: SEMA3C-related condition.

gnomAD v4.1: 2 of 1,613,478 alleles (0.00012%); highest among the groups gnomAD compares: African/African-American, 0.0013%; no homozygotes.

Submission:

PreventionGenetics, part of Exact Sciences
Classification: Likely benign for SEMA3C-related condition. Last evaluated: 2021-07-19. Review status: no assertion criteria provided. Collection method: clinical testing. Allele origin: germline.
Comment: This variant is classified as likely benign based on ACMG/AMP sequence variant interpretation guidelines (Richards et al. 2015 PMID: 25741868, with internal and published modifications).

NM_006379.5(SEMA3C):c.408T>C (p.Ser136=)

Gene: SEMA3C (semaphorin 3C; minus strand). Cytogenetic location: 7q21.11.
Variant type: single nucleotide variant.
Coding change: c.408T>C on transcript NM_006379.5 (MANE Select); coding-DNA position 408, T replaced by C.
Protein change: p.Ser136=; no amino-acid change (serine 136 retained).
Molecular consequence: synonymous variant.
Genome position (GRCh38, 1-based): chr7:80,818,338, A>G on the plus strand (T>C on the coding strand, the complement: SEMA3C is on the minus strand). VCF-style: chr7-80818338-A-G. GRCh37 (hg19) VCF-style: chr7-80447654-A-G.
Other names: c.462T>C, p.Ser154= (NM_001350120.2); c.234T>C, p.Ser78= (NM_001350121.2).
Identifiers: ClinVar variation 3357710 (VCV003357710.1).